The following is an entry in ClinVar:

ClinVar aggregate classification (germline): Benign/Likely benign. Review status: criteria provided, multiple submitters, no conflicts (2 of 4 stars). 5 submissions from 3 submitters: Benign (1); Likely benign (3). 1 of the submissions does not count toward it. Last evaluated 2025-10-28.

Conditions:
SLC4A1-related disorder. Also called: SLC4A1-related condition; SLC4A1-related disorders.
Hereditary spherocytosis type 4. Also called: SLC4A1-Related Spherocytosis. Identifiers: Orphanet 822, MedGen C2675212, MONDO:0012981, OMIM 612653.
Autosomal dominant distal renal tubular acidosis (DRTA1). Also called: RTA, CLASSIC TYPE; RTA, DISTAL TYPE, AUTOSOMAL DOMINANT; RTA, GRADIENT TYPE; Renal Tubular Acidosis, Type I; RENAL TUBULAR ACIDOSIS, DISTAL, 1. Identifiers: Orphanet 93608, MedGen CN280572, MONDO:0008368, OMIM 179800.
Hemolytic anemia. Identifiers: MedGen C0002878, MONDO:0003664, HP:0001878.

Allele frequency attached by ClinVar (database versions not stated): ESP Exome Variant Server 0.00219; 1000 Genomes Project 0.00220; gnomAD 0.00229 and 0.00245; TOPMed 0.00246; 1000 Genomes Project 30x 0.00250.
gnomAD v4.1: 718 of 1,612,804 alleles (0.045%); highest among the groups gnomAD compares: African/African-American, 0.77%; 4 homozygotes.

Submissions (5):

Mayo Clinic Laboratories, Mayo Clinic
Classification: Likely benign. Last evaluated: 2025-10-28. Review status: criteria provided, single submitter. Criteria: ACMG Guidelines, 2015. Collection method: clinical testing. Allele origin: germline. Observed: 10 variant alleles.

Illumina Laboratory Services, Illumina
Classification: Likely benign for Hemolytic anemia. Last evaluated: 2018-01-13. Review status: criteria provided, single submitter. Criteria: ICSL Variant Classification Criteria 13 December 2019. Collection method: clinical testing. Allele origin: germline.
Comment: This variant was observed in the ICSL laboratory as part of a predisposition screen in an ostensibly healthy population. It had not been previously curated by ICSL or reported in the Human Gene Mutation Database (HGMD: prior to June 1st, 2018), and was therefore a candidate for classification through an automated scoring system. Utilizing variant allele frequency, disease prevalence and penetrance estimates, and inheritance mode, an automated score was calculated to assess if this variant is too frequent to cause the disease. Based on the score and internal cut-off values, a variant classified as likely benign is not then subjected to further curation. The score for this variant resulted in a classification of likely benign for this disease.

Illumina Laboratory Services, Illumina
Classification: Likely benign for Hereditary spherocytosis type 4. Last evaluated: 2018-01-13. Review status: criteria provided, single submitter. Criteria: ICSL Variant Classification Criteria 13 December 2019. Collection method: clinical testing. Allele origin: germline.
Comment: the same text as in the submission from Illumina Laboratory Services, Illumina above.

Illumina Laboratory Services, Illumina
Classification: Benign for Autosomal dominant distal renal tubular acidosis. Last evaluated: 2018-01-13. Review status: criteria provided, single submitter. Criteria: ICSL Variant Classification Criteria 13 December 2019. Collection method: clinical testing. Allele origin: germline.
Comment: This variant was observed in the ICSL laboratory as part of a predisposition screen in an ostensibly healthy population. It had not been previously curated by ICSL or reported in the Human Gene Mutation Database (HGMD: prior to June 1st, 2018), and was therefore a candidate for classification through an automated scoring system. Utilizing variant allele frequency, disease prevalence and penetrance estimates, and inheritance mode, an automated score was calculated to assess if this variant is too frequent to cause the disease. Based on the score and internal cut-off values, a variant classified as benign is not then subjected to further curation. The score for this variant resulted in a classification of benign for this disease.

PreventionGenetics, part of Exact Sciences
Classification: Benign for SLC4A1-related condition. Last evaluated: 2019-05-15. Review status: no assertion criteria provided. Collection method: clinical testing. Allele origin: germline. Not counted in ClinVar's aggregate classification.
Comment: This variant is classified as benign based on ACMG/AMP sequence variant interpretation guidelines (Richards et al. 2015 PMID: 25741868, with internal and published modifications).

NM_000342.4(SLC4A1):c.-60G>A

Gene: SLC4A1 (solute carrier family 4 member 1 (Diego blood group); minus strand). Cytogenetic location: 17q21.31.
Variant type: single nucleotide variant.
Coding change: c.-60G>A on transcript NM_000342.4 (MANE Select); 60 bases upstream of the start codon, G replaced by A.
Molecular consequence: 5 prime UTR variant.
Genome position (GRCh38, 1-based): chr17:44,262,926, C>T on the plus strand (G>A on the coding strand, the complement: SLC4A1 is on the minus strand). VCF-style: chr17-44262926-C-T. GRCh37 (hg19) VCF-style: chr17-42340294-C-T.
Identifiers: ClinVar variation 323522 (VCV000323522.8), dbSNP rs75489266, ClinGen allele CA10645807.